The following is an entry in ClinVar:

NM_021930.6(RINT1):c.2096G>C (p.Gly699Ala)

Genes: EFCAB10 (EF-hand calcium binding domain 10; minus strand), RINT1 (RAD50 interactor 1; plus strand). Cytogenetic location: 7q22.3.
Variant type: single nucleotide variant.
Coding change: c.2096G>C on transcript NM_021930.6 (MANE Select); coding-DNA position 2096, G replaced by C.
Protein change: p.Gly699Ala; replaces glycine 699 with alanine.
Molecular consequence: missense variant. On other transcripts: synonymous variant (1), non-coding transcript variant (1), intron variant (2).
Genome position (GRCh38, 1-based): chr7:105,565,558, G>C. VCF-style: chr7-105565558-G-C. GRCh37 (hg19) VCF-style: chr7-105206005-G-C.
Other names: c.441C>G, p.Leu147= (NM_001355530.2); c.1862G>C, p.Gly621Ala (NM_001346599.2); c.1073G>C, p.Gly358Ala (NM_001346600.2, NM_001346603.2); c.1172G>C, p.Gly391Ala (NM_001346601.2); c.360-111C>G (NM_001355531.2); c.384-111C>G (NM_001355526.2); short protein forms G391A, G699A, G358A, G621A.
Identifiers: ClinVar variation 5028285 (VCV005028285.1).

ClinVar aggregate classification (germline): Uncertain significance (1 of 4 stars; one submission).

Submission:

Ambry Genetics
Classification: Uncertain significance. Last evaluated: 2026-07-27. Review status: criteria provided, single submitter. Criteria: Ambry Variant Classification Scheme 2023. Collection method: clinical testing. Allele origin: germline.
Comment: The p.G699A variant (also known as c.2096G>C), located in coding exon 14 of the RINT1 gene, results from a G to C substitution at nucleotide position 2096. The glycine at codon 699 is replaced by alanine, an amino acid with similar properties. This amino acid position is conserved. In addition, the in silico prediction for this alteration is inconclusive. Based on the available evidence, the clinical significance of this variant remains unclear.